The following is an entry in ClinVar:

ClinVar aggregate classification (germline): Uncertain significance (1 of 4 stars; one submission).

Allele frequency attached by ClinVar (database versions not stated): ExAC 0.00001; gnomAD 0.00001; gnomAD exomes 0.00001; TOPMed 0.00003.
gnomAD v4.1: 19 of 1,611,390 alleles (0.0012%); highest among the groups gnomAD compares: Non-Finnish European, 0.0014%; no homozygotes.

Submission:

Labcorp Genetics (formerly Invitae), Labcorp
Classification: Uncertain significance. Last evaluated: 2022-01-18. Review status: criteria provided, single submitter. Criteria: Invitae Variant Classification Sherloc (09022015). Collection method: clinical testing. Allele origin: germline.
Comment: This sequence change replaces arginine, which is basic and polar, with histidine, which is basic and polar, at codon 17 of the AIMP2 protein (p.Arg17His). This variant is present in population databases (rs774238548, gnomAD 0.002%). This variant has not been reported in the literature in individuals affected with AIMP2-related conditions. Algorithms developed to predict the effect of missense changes on protein structure and function output the following: SIFT: "Tolerated"; PolyPhen-2: "Benign"; Align-GVGD: "Class C0". The histidine amino acid residue is found in multiple mammalian species, which suggests that this missense change does not adversely affect protein function. In summary, the available evidence is currently insufficient to determine the role of this variant in disease. Therefore, it has been classified as a Variant of Uncertain Significance.

NM_006303.4(AIMP2):c.50G>A (p.Arg17His)

Gene: AIMP2 (aminoacyl tRNA synthetase complex interacting multifunctional protein 2; plus strand). Cytogenetic location: 7p22.1.
Variant type: single nucleotide variant.
Coding change: c.50G>A on transcript NM_006303.4 (MANE Select); coding-DNA position 50, G replaced by A.
Protein change: p.Arg17His; replaces arginine 17 with histidine.
Molecular consequence: missense variant. On other transcripts: 5 prime UTR variant (1), intron variant (3).
Genome position (GRCh38, 1-based): chr7:6,009,413, G>A. VCF-style: chr7-6009413-G-A. GRCh37 (hg19) VCF-style: chr7-6049044-G-A.
Other names: c.50G>A, p.Arg17His (NM_001326607.2); c.-271G>A (NM_001326609.2); c.-238+35G>A (NM_001326611.3); c.-251+35G>A (NM_001326610.2); c.15+35G>A (NM_001326606.2); short protein forms R17H.
Identifiers: ClinVar variation 2181107 (VCV002181107.1), dbSNP rs774238548, ClinGen allele CA4150176.